The following is an entry in ClinVar:

ClinVar aggregate classification (germline): Benign (1 of 4 stars; one submission).

Allele frequency attached by ClinVar (database versions not stated): gnomAD 0.76637 and 0.77016; 1000 Genomes Project 0.89936.
gnomAD v4.1: 111,591 of 144,764 alleles (77%); highest among the groups gnomAD compares: East Asian, 91%; 43,251 homozygotes.

Submissions (5):

GeneDx
Classification: Benign. Last evaluated: 2018-06-14. Review status: criteria provided, single submitter. Criteria: GeneDx Variant Classification (06012015). Collection method: clinical testing. Allele origin: germline. Affected: yes.
Comment: This variant is considered likely benign or benign based on one or more of the following criteria: it is a conservative change, it occurs at a poorly conserved position in the protein, it is predicted to be benign by multiple in silico algorithms, and/or has population frequency not consistent with disease.

Dr. Peter K. Rogan Lab, Western University
No classification provided (evidence only). Condition: Thymoma. Review status: no classification provided. Collection method: in vitro. Allele origin: not applicable. Functional consequence: retained intron. Not counted in ClinVar's aggregate classification.

Dr. Peter K. Rogan Lab, Western University
No classification provided (evidence only). Condition: Gastric cancer. Review status: no classification provided. Collection method: in vitro. Allele origin: not applicable. Functional consequence: retained intron. Not counted in ClinVar's aggregate classification.

Dr. Peter K. Rogan Lab, Western University
No classification provided (evidence only). Condition: Gastric cancer. Review status: no classification provided. Collection method: in vitro. Allele origin: not applicable. Functional consequence: retained intron. Not counted in ClinVar's aggregate classification.

Dr. Peter K. Rogan Lab, Western University
No classification provided (evidence only). Condition: Uterine carcinosarcoma. Review status: no classification provided. Collection method: in vitro. Allele origin: not applicable. Functional consequence: retained intron. Not counted in ClinVar's aggregate classification.

NM_032578.4(MYPN):c.1974-219G>T

Gene: MYPN (myopalladin; plus strand). Cytogenetic location: 10q21.3.
Variant type: single nucleotide variant.
Coding change: c.1974-219G>T on transcript NM_032578.4 (MANE Select); 219 bases into the intron before coding-DNA position 1974, G replaced by T.
Molecular consequence: intron variant.
Genome position (GRCh38, 1-based): chr10:68,173,847, G>T. VCF-style: chr10-68173847-G-T. GRCh37 (hg19) VCF-style: chr10-69933604-G-T.
Other names: NC_000010.10:g.69933604G>T; c.1974-219G>T (NM_001256267.2); c.1092-219G>T (NM_001256268.2).
Identifiers: ClinVar variation 672835 (VCV000672835.2), dbSNP rs117144583, ClinGen allele CA208203324.
Genomic context (GRCh38, chr10:68,173,847, plus strand): 5'-TACAGGCGTGCACCACCATGTCTGGCTAATATATATGTATATATAATTTTTTTTTTTTTT[G>T]TTAGAGACGGGGTTTCACCATGTTGCCCAGGCTGGTCTCAAACTCCTGGACTCAAGTGAT-3'